The following is an entry in ClinVar:

ClinVar aggregate classification (germline): Likely benign. Review status: criteria provided, multiple submitters, no conflicts (2 of 4 stars). 4 submissions from 4 submitters: Likely benign (3). 1 of the submissions does not count toward it. Last evaluated 2026-01-08.

Conditions:
Inborn genetic diseases. Identifiers: MedGen C0950123, MeSH D030342.
Mucopolysaccharidosis, MPS-III-C (MPS3C). Also called: MUCOPOLYSACCHARIDOSIS, TYPE IIIC; mucopolysaccharidosis type 3C; SANFILIPPO SYNDROME C; MPS III C; MPS IIIC (Sanfilippo Syndrome Type C); Mucopolysaccharidosis type IIIC (Sanfilippo C). Identifiers: Orphanet 581, Orphanet 79271, MedGen C0086649, MONDO:0009657, OMIM 252930.
Retinitis pigmentosa 73 (RP73). Identifiers: Orphanet 791, MedGen C4225287, MONDO:0014687, OMIM 616544.
HGSNAT-related disorder. Also called: HGSNAT-related condition.

Allele frequency attached by ClinVar (database versions not stated): ESP Exome Variant Server 0.00008; gnomAD 0.00008; ExAC 0.00026; gnomAD exomes 0.00027; 1000 Genomes Project 30x 0.00016; 1000 Genomes Project 0.00020; TOPMed 0.00008.

Submissions (4):

Labcorp Genetics (formerly Invitae), Labcorp
Classification: Likely benign for Retinitis pigmentosa 73; Mucopolysaccharidosis, MPS-III-C. Last evaluated: 2026-01-08. Review status: criteria provided, single submitter. Criteria: Invitae Variant Classification Sherloc (09022015). Collection method: clinical testing. Allele origin: germline.

PreventionGenetics, part of Exact Sciences
Classification: Likely benign for HGSNAT-related condition. Last evaluated: 2025-02-21. Review status: criteria provided, single submitter. Criteria: ACMG Guidelines, 2015. Collection method: clinical testing. Allele origin: germline.
Comment: This variant is classified as likely benign based on ACMG/AMP sequence variant interpretation guidelines (Richards et al. 2015 PMID: 25741868, with internal and published modifications).

Ambry Genetics
Classification: Likely benign for Inborn genetic diseases. Last evaluated: 2023-02-28. Review status: criteria provided, single submitter. Criteria: Ambry Variant Classification Scheme 2023. Collection method: clinical testing. Allele origin: germline.

Natera, Inc.
Classification: Uncertain significance for Mucopolysaccharidosis type IIIC. Last evaluated: 2019-12-27. Review status: no assertion criteria provided. Collection method: clinical testing. Allele origin: germline. Not counted in ClinVar's aggregate classification.

NM_152419.3(HGSNAT):c.479T>C (p.Val160Ala)

Gene: HGSNAT (heparan-alpha-glucosaminide N-acetyltransferase; plus strand). Cytogenetic location: 8p11.21.
Variant type: single nucleotide variant.
Coding change: c.479T>C on transcript NM_152419.3 (MANE Select); coding-DNA position 479, T replaced by C.
Protein change: p.Val160Ala; replaces valine 160 with alanine.
Molecular consequence: missense variant. On other transcripts: 5 prime UTR variant (1).
Genome position (GRCh38, 1-based): chr8:43,159,030, T>C. VCF-style: chr8-43159030-T-C. GRCh37 (hg19) VCF-style: chr8-43014173-T-C.
Other names: c.479T>C, p.Val160Ala (NM_001363227.2, NM_001363228.2); c.-355T>C (NM_001363229.2); short protein forms V160A.
Identifiers: ClinVar variation 766581 (VCV000766581.13), dbSNP rs369469113, ClinGen allele CA4736514.